The following is an entry in ClinVar:

NC_000007.14:g.(?_5977578)_(5978706_?)del

Gene: PMS2 (PMS1 homolog 2, mismatch repair system component; minus strand). Cytogenetic location: 7p22.1.
Variant type: Deletion.
Identifiers: ClinVar variation 831096 (VCV000831096.2).

ClinVar aggregate classification (germline): Pathogenic (1 of 4 stars; one submission).

Conditions:
Hereditary nonpolyposis colorectal neoplasms. Identifiers: MedGen C0009405, MeSH D003123.

Submission:

Labcorp Genetics (formerly Invitae), Labcorp
Classification: Pathogenic for Hereditary nonpolyposis colorectal neoplasms. Last evaluated: 2022-10-08. Review status: criteria provided, single submitter. Criteria: Invitae Variant Classification Sherloc (09022015). Collection method: clinical testing. Allele origin: germline.
Comment: This variant is a gross deletion of the genomic region encompassing exon(s) 13-14 of the PMS2 gene. While this deletion is not anticipated to lead to nonsense mediated decay, it is expected to disrupt the C-terminus of the protein. This variant has not been reported in the literature in individuals affected with PMS2-related conditions. This variant disrupts a region of the PMS2 protein in which other variant(s) (p.Ser815Leu) have been determined to be pathogenic (PMID: 20186688, 23837913, 25512458, 26110232, 27435373, 28503822; Invitae). This suggests that this is a clinically significant region of the protein, and that variants that disrupt it are likely to be disease-causing. For these reasons, this variant has been classified as Pathogenic.

Literature cited by the submitters: PubMed 20186688; PubMed 23837913; PubMed 25512458; PubMed 26110232; PubMed 27435373; PubMed 28503822.